The following is an entry in ClinVar:

NC_000014.8:g.(?_68191277)_(68191485_?)del

Gene: RDH12 (retinol dehydrogenase 12; plus strand). Cytogenetic location: 14q24.1.
Variant type: Deletion.
Identifiers: ClinVar variation 3244005 (VCV003244005.1).

ClinVar aggregate classification (germline): Likely pathogenic (1 of 4 stars; one submission).

Conditions:
Leber congenital amaurosis 13 (LCA13). Identifiers: MedGen C2675186, MONDO:0012990, OMIM 612712.

Submission:

Labcorp Genetics (formerly Invitae), Labcorp
Classification: Likely pathogenic for Leber congenital amaurosis 13. Last evaluated: 2018-09-26. Review status: criteria provided, single submitter. Criteria: Invitae Variant Classification Sherloc (09022015). Collection method: clinical testing. Allele origin: unknown.
Comment: This variant is a deletion of the genomic region encompassing part of exon 4 (c.156_187+177del) of the RDH12 gene. It is expected to disrupt RNA splicing and likely results in an absent or disrupted protein product. In summary, the currently available evidence indicates that the variant is pathogenic, but additional data are needed to prove that conclusively. Therefore, this variant has been classified as Likely Pathogenic. Loss-of-function variants in RDH12 are known to be pathogenic (PMID: 17964524, 22065924). This variant has not been reported in the literature in individuals with RDH12-related disease.

Literature cited by the submitters: PubMed 17964524; PubMed 22065924.